The following continues an entry in ClinVar:

NM_000152.5(GAA):c.1316T>A (p.Met439Lys)

Gene: GAA. ClinVar aggregate classification (germline): Pathogenic. Pathogenic (1).

Submissions 7 to 11 of 11:

Women's Health and Genetics/Laboratory Corporation of America, LabCorp
Classification: Pathogenic for Glycogen storage disease, type II. Last evaluated: 2021-09-06. Review status: criteria provided, single submitter. Criteria: LabCorp Variant Classification Summary - May 2015. Collection method: clinical testing. Allele origin: germline. Not counted in ClinVar's aggregate classification.
Comment: Variant summary: GAA c.1316T>A (p.Met439Lys) results in a non-conservative amino acid change located in the Glycoside hydrolase, family 31 domain (IPR000322) of the encoded protein sequence. Four of five in-silico tools predict a damaging effect of the variant on protein function. The variant allele was found at a frequency of 2.8e-05 in 210934 control chromosomes. c.1316T>A has been reported in the literature as a compound heterozygous genotype in multiple individuals affected with Glycogen Storage Disease, Type 2 (Pompe Disease) (example, Park_2006, Kobayashi_2010, Park_2013). These data indicate that the variant is very likely to be associated with disease. At least one publication reports experimental evidence evaluating an impact on protein function (Flanagan_2009). The most pronounced variant effect results in <2% of normal wild-type GAA activity in transiently transfected COS-7 cells. Four clinical diagnostic laboratories have submitted clinical-significance assessments for this variant to ClinVar after 2014 without evidence for independent evaluation. All laboratories classified the variant as pathogenic (n=1)/likely pathogenic (n=3). Based on the evidence outlined above, the variant was classified as pathogenic.

Blueprint Genetics
Classification: Pathogenic for GAA-related disorders. Last evaluated: 2020-09-07. Review status: criteria provided, single submitter. Criteria: ACMG Guidelines, 2015. Collection method: clinical testing. Allele origin: germline. Affected: yes. Observed: 1 variant allele. Not counted in ClinVar's aggregate classification.

Broad Center for Mendelian Genomics, Broad Institute of MIT and Harvard
Classification: Likely pathogenic for Glycogen storage disease, type II. Last evaluated: 2020-01-22. Review status: criteria provided, single submitter. Criteria: ACMG Guidelines, 2015. Collection method: curation. Allele origin: germline. Inheritance: Autosomal recessive inheritance. Not counted in ClinVar's aggregate classification.
Comment: The p.Met439Lys variant in GAA has been reported in 6 Korean individuals with Glycogen Storage DIsease II, segregated with disease in 2 affected siblings from 1 family (PMID: 17092519, 25213570, 28433475, 27363342), and has also been reported a pathogenic variant by Invitae and a likely pathogenic variant by Counsyl and the Laboratory for Molecular Medicine by ClinVar (Variation ID: 371305). This variant has been identified in 0.038% (6/15644) of East Asian chromosomes by the Genome Aggregation Database (gnomAD; dbSNP rs747610090). Although this variant has been seen in the general population, its frequency is low enough to be consistent with a recessive carrier frequency. Computational prediction tools and conservation analyses do not provide strong support for or against an impact to the protein. However, the Methionine (Met) at position 439 is not conserved in mammals or evolutionary distant species, raising the possibility that a change at this position may be tolerated. In vitro functional studies with COS cells transfected with this variant provide some evidence that the p.Met439Lys variant may impact GAA activity (PMID: 19862843). However, these types of assays may not accurately represent biological function. This variant was reported in combination with variants associated with disease and in individuals with Glycogen Storage Disease II (PMID: 25213570, 27363342, 28433475). At least one individual with this variant in the heterozygous state has a phenotype highly specific for Glycogen Storage Disease II based on GAA enzyme activity assays with leukocytes and lacks two known pseudodeficiency alleles, p.Gly576Ser and Glu689Lys, raising the likelihood that this variant is pathogenic (PMID: 28433475). In summary, although additional studies are required to fully establish its clinical significance, this variant is likely pathogenic. ACMG/AMP Criteria applied: PS3, PM2, PP4_Moderate (Richards 2015).

Laboratory for Molecular Medicine, Mass General Brigham Personalized Medicine
Classification: Likely pathogenic for Glycogen storage disease. Last evaluated: 2017-10-12. Review status: criteria provided, single submitter. Criteria: LMM Criteria. Collection method: clinical testing. Allele origin: germline. Inheritance: Autosomal recessive inheritance. Observed: 1 variant allele. Not counted in ClinVar's aggregate classification.
Comment: The p.Met439Lys (NM_001079803.1 c.1316T>A) variant in GAA has been reported in a t least 10 compound heterozygous individuals with Pompe disease and segregated w ith disease in one affected sibling (Park 2006, Kobayashi 2010, Park 2013, Lee 2 014, Lee 2017 and Park 2017). This variant has also been reported in ClinVar (Va riation ID#371305), as likely pathogenic. In vitro functional studies provide ev idence that the variant impairs enzymatic activity (Flanagan 2009). This varian t has been identified in 6/14,598 of East Asian chromosomes by the Genome Aggreg ation Database (gnomAD; dbSNP rs747610090), th ough this frequency is low enough to be consistent with a recessive carrier freq uency. In summary, although additional studies are required to fully establish i ts clinical significance, the p.Met439Lys variant is likely pathogenic for Pompe disease in an autosomal recessive manner based upon observations in affected in dividuals and functional studies. ACMG/AMP Criteria applied: PS3, PM2, PM3, PP5 (Richards 2015)

Counsyl
Classification: Likely pathogenic for Glycogen storage disease, type II. Last evaluated: 2016-08-25. Review status: no assertion criteria provided. Collection method: clinical testing. Allele origin: unknown. Not counted in ClinVar's aggregate classification.

Literature cited by the submitters: PubMed 37087815 (cited by Genomenon, Inc); PubMed 33344388 (cited by Genomenon, Inc); PubMed 31193175 (cited by Genomenon, Inc); PubMed 30894207 (cited by Genomenon, Inc and 3billion); PubMed 21940687 (cited by Genomenon, Inc); PubMed 29044175 (cited by Genomenon, Inc); PubMed 28433475 (cited by 4 submitters); PubMed 17092519 (cited by 6 submitters); PubMed 20202878 (cited by 5 submitters); PubMed 23884227 (cited by 5 submitters); PubMed 19862843 (cited by 7 submitters); PubMed 30360039 (cited by Natera, Inc.); PubMed 25388776 (cited by Natera, Inc.); PubMed 25213570 (cited by 3 submitters); PubMed 29124014 (cited by Labcorp Genetics (formerly Invitae), Labcorp and Women's Health and Genetics/Laboratory Corporation of America, LabCorp); PubMed 34020684 (cited by Women's Health and Genetics/Laboratory Corporation of America, LabCorp); PubMed 27363342 (cited by Laboratory for Molecular Medicine, Mass General Brigham Personalized Medicine); PubMed 25526786 (cited by Laboratory for Molecular Medicine, Mass General Brigham Personalized Medicine); PubMed 21471980 (cited by Laboratory for Molecular Medicine, Mass General Brigham Personalized Medicine and Counsyl); PubMed 19790257 (cited by Laboratory for Molecular Medicine, Mass General Brigham Personalized Medicine and Counsyl).